The following is an entry in ClinVar:

NM_000875.5(IGF1R):c.3262A>G (p.Lys1088Glu)

Gene: IGF1R (insulin like growth factor 1 receptor; plus strand). Cytogenetic location: 15q26.3.
Variant type: single nucleotide variant.
Coding change: c.3262A>G on transcript NM_000875.5 (MANE Select); coding-DNA position 3262, A replaced by G.
Protein change: p.Lys1088Glu; replaces lysine 1088 with glutamic acid.
Molecular consequence: missense variant.
Genome position (GRCh38, 1-based): chr15:98,935,391, A>G. VCF-style: chr15-98935391-A-G. GRCh37 (hg19) VCF-style: chr15-99478620-A-G.
Other names: c.3259A>G, p.Lys1087Glu (NM_001291858.2); short protein forms K1088E, K1087E.
Identifiers: ClinVar variation 5002383 (VCV005002383.1).
Genomic context (GRCh38, chr15:98,935,391, plus strand): 5'-GTGGTGTCCCAAGGCCAGCCAACACTGGTCATCATGGAACTGATGACACGGGGCGATCTC[A>G]AAAGTTATCTCCGGTCTCTGAGGCCAGAAATGGAGGTCAGTTTTCATTTCCACCGGTATT-3'
Protein context (NP_000866.1, residues 1078-1098): IMELMTRGDL[Lys1088Glu]SYLRSLRPEM

ClinVar aggregate classification (germline): Uncertain significance (1 of 4 stars; one submission).

Conditions:
IGF1R-related disorder. Also called: IGF1R-related condition.

Submission:

PreventionGenetics, part of Exact Sciences
Classification: Uncertain significance for IGF1R-related condition. Last evaluated: 2025-07-24. Review status: criteria provided, single submitter. Criteria: ACMG Guidelines, 2015. Collection method: clinical testing. Allele origin: germline.
Comment: The IGF1R c.3262A>G variant is predicted to result in the amino acid substitution p.Lys1088Glu. To our knowledge, this variant has not been reported in the literature or in a large population database (gnomAD), indicating this variant is rare. At this time, the clinical significance of this variant is uncertain due to the absence of conclusive functional and genetic evidence.